The following is an entry in ClinVar:

ClinVar aggregate classification (germline): Uncertain significance (1 of 4 stars; one submission).

gnomAD v4.1: 26 of 1,613,892 alleles (0.0016%); highest among the groups gnomAD compares: Non-Finnish European, 0.002%; no homozygotes.

Submission:

Labcorp Genetics (formerly Invitae), Labcorp
Classification: Uncertain significance. Last evaluated: 2024-03-21. Review status: criteria provided, single submitter. Criteria: Invitae Variant Classification Sherloc (09022015). Collection method: clinical testing. Allele origin: germline.
Comment: This sequence change replaces lysine, which is basic and polar, with asparagine, which is neutral and polar, at codon 338 of the SUCLG2 protein (p.Lys338Asn). This variant is present in population databases (no rsID available, gnomAD 0.004%). This variant has not been reported in the literature in individuals affected with SUCLG2-related conditions. An algorithm developed to predict the effect of missense changes on protein structure and function (PolyPhen-2) suggests that this variant is likely to be tolerated. In summary, the available evidence is currently insufficient to determine the role of this variant in disease. Therefore, it has been classified as a Variant of Uncertain Significance.

NM_003848.4(SUCLG2):c.1014G>T (p.Lys338Asn)

Gene: SUCLG2 (succinate-CoA ligase GDP-forming subunit beta; minus strand). Cytogenetic location: 3p14.1.
Variant type: single nucleotide variant.
Coding change: c.1014G>T on transcript NM_003848.4 (MANE Select); coding-DNA position 1014, G replaced by T.
Protein change: p.Lys338Asn; replaces lysine 338 with asparagine.
Molecular consequence: missense variant.
Genome position (GRCh38, 1-based): chr3:67,495,846, C>A on the plus strand (G>T on the coding strand, the complement: SUCLG2 is on the minus strand). VCF-style: chr3-67495846-C-A. GRCh37 (hg19) VCF-style: chr3-67546270-C-A.
Other names: c.1014G>T, p.Lys338Asn (NM_001177599.2); short protein forms K338N.
Identifiers: ClinVar variation 3613933 (VCV003613933.2).
Genomic context (GRCh38, chr3:67,495,846, plus strand): 5'-GAGAAAGGTTACCTTAGGATCAGCTGTGAGCAATTTGAATGCTTGATATACTTGAGCTTC[C>A]TTTACACCACCTCCAAGATCCAAGAAGTTGGCTGGCTTCCCACCATTAAGGAAAATGATA-3'
Protein context (NP_003839.2, residues 328-348): ANFLDLGGGV[Lys338Asn]EAQVYQAFKL